The following is an entry in ClinVar:

NM_005886.3(KATNB1):c.1881C>G (p.Ser627Arg)

Gene: KATNB1 (katanin regulatory subunit B1; plus strand). Cytogenetic location: 16q21.
Variant type: single nucleotide variant.
Coding change: c.1881C>G on transcript NM_005886.3 (MANE Select); coding-DNA position 1881, C replaced by G.
Protein change: p.Ser627Arg; replaces serine 627 with arginine.
Molecular consequence: missense variant.
Genome position (GRCh38, 1-based): chr16:57,756,859, C>G. VCF-style: chr16-57756859-C-G. GRCh37 (hg19) VCF-style: chr16-57790771-C-G.
Other names: c.1881C>G (NM_005886.2); short protein forms S627R.
Identifiers: ClinVar variation 1898194 (VCV001898194.5), dbSNP rs782233520, ClinGen allele CA8081411.

ClinVar aggregate classification (germline): Uncertain significance. Review status: criteria provided, multiple submitters, no conflicts (2 of 4 stars). 2 submissions from 2 submitters: Uncertain significance (2). Last evaluated 2024-11-21.

Conditions:
Inborn genetic diseases. Identifiers: MedGen C0950123, MeSH D030342.

gnomAD v4.1: 34 of 1,572,372 alleles (0.0022%); highest among the groups gnomAD compares: South Asian, 0.012%; 1 homozygote.

Submissions (2):

Ambry Genetics
Classification: Uncertain significance for Inborn genetic diseases. Last evaluated: 2024-11-21. Review status: criteria provided, single submitter. Criteria: Ambry Variant Classification Scheme 2023. Collection method: clinical testing. Allele origin: germline.

Labcorp Genetics (formerly Invitae), Labcorp
Classification: Uncertain significance. Last evaluated: 2024-10-24. Review status: criteria provided, single submitter. Criteria: Invitae Variant Classification Sherloc (09022015). Collection method: clinical testing. Allele origin: germline.
Comment: This sequence change replaces serine, which is neutral and polar, with arginine, which is basic and polar, at codon 627 of the KATNB1 protein (p.Ser627Arg). This variant is present in population databases (rs782233520, gnomAD 0.02%). This variant has not been reported in the literature in individuals affected with KATNB1-related conditions. ClinVar contains an entry for this variant (Variation ID: 1898194). Invitae Evidence Modeling of protein sequence and biophysical properties (such as structural, functional, and spatial information, amino acid conservation, physicochemical variation, residue mobility, and thermodynamic stability) indicates that this missense variant is not expected to disrupt KATNB1 protein function with a negative predictive value of 95%. In summary, the available evidence is currently insufficient to determine the role of this variant in disease. Therefore, it has been classified as a Variant of Uncertain Significance.